The following is an entry in ClinVar:

NM_006268.5(DPF2):c.944C>T (p.Ala315Val)

Gene: DPF2 (double PHD fingers 2; plus strand). Cytogenetic location: 11q13.1.
Variant type: single nucleotide variant.
Coding change: c.944C>T on transcript NM_006268.5 (MANE Select); coding-DNA position 944, C replaced by T.
Protein change: p.Ala315Val; replaces alanine 315 with valine.
Molecular consequence: missense variant.
Genome position (GRCh38, 1-based): chr11:65,346,286, C>T. VCF-style: chr11-65346286-C-T. GRCh37 (hg19) VCF-style: chr11-65113757-C-T.
Other names: c.986C>T, p.Ala329Val (NM_001330308.2); short protein forms A315V, A329V.
Identifiers: ClinVar variation 2996957 (VCV002996957.3), dbSNP rs1854527900, ClinGen allele CA381231555.

ClinVar aggregate classification (germline): Uncertain significance (1 of 4 stars; one submission).

Allele frequency attached by ClinVar (database versions not stated): gnomAD exomes below 0.00001; TOPMed below 0.00001.
gnomAD v4.1: 7 of 1,614,064 alleles (0.00043%); highest among the groups gnomAD compares: Non-Finnish European, 0.00059%; no homozygotes.

Submission:

Labcorp Genetics (formerly Invitae), Labcorp
Classification: Uncertain significance. Last evaluated: 2024-05-15. Review status: criteria provided, single submitter. Criteria: Invitae Variant Classification Sherloc (09022015). Collection method: clinical testing. Allele origin: germline.
Comment: This sequence change replaces alanine, which is neutral and non-polar, with valine, which is neutral and non-polar, at codon 315 of the DPF2 protein (p.Ala315Val). This variant is not present in population databases (gnomAD no frequency). This variant has not been reported in the literature in individuals affected with DPF2-related conditions. An algorithm developed to predict the effect of missense changes on protein structure and function (PolyPhen-2) suggests that this variant is likely to be tolerated. In summary, the available evidence is currently insufficient to determine the role of this variant in disease. Therefore, it has been classified as a Variant of Uncertain Significance.